The following is an entry in ClinVar:

NM_007289.4(MME):c.1849G>A (p.Glu617Lys)

Gene: MME (membrane metalloendopeptidase; plus strand). Cytogenetic location: 3q25.2.
Variant type: single nucleotide variant.
Coding change: c.1849G>A on transcript NM_007289.4 (MANE Select); coding-DNA position 1849, G replaced by A.
Protein change: p.Glu617Lys; replaces glutamic acid 617 with lysine.
Molecular consequence: missense variant.
Genome position (GRCh38, 1-based): chr3:155,168,560, G>A. VCF-style: chr3-155168560-G-A. GRCh37 (hg19) VCF-style: chr3-154886349-G-A.
Other names: c.1849G>A, p.Glu617Lys (NM_000902.5, NM_001354642.2, NM_001354643.1 and 2 more transcripts); short protein forms E617K.
Identifiers: ClinVar variation 1947410 (VCV001947410.5), dbSNP rs376371123, ClinGen allele CA2675649.

ClinVar aggregate classification (germline): Uncertain significance (1 of 4 stars; one submission).

Allele frequency attached by ClinVar (database versions not stated): gnomAD exomes 0.00001; ExAC 0.00002; gnomAD 0.00005; TOPMed 0.00007; ESP Exome Variant Server 0.00008.
gnomAD v4.1: 10 of 1,613,698 alleles (0.00062%); highest among the groups gnomAD compares: African/African-American, 0.013%; no homozygotes.

Submission:

Labcorp Genetics (formerly Invitae), Labcorp
Classification: Uncertain significance. Last evaluated: 2022-03-08. Review status: criteria provided, single submitter. Criteria: Invitae Variant Classification Sherloc (09022015). Collection method: clinical testing. Allele origin: germline.
Comment: This sequence change replaces glutamic acid, which is acidic and polar, with lysine, which is basic and polar, at codon 617 of the MME protein (p.Glu617Lys). This variant is present in population databases (rs376371123, gnomAD 0.02%). This variant has not been reported in the literature in individuals affected with MME-related conditions. Algorithms developed to predict the effect of missense changes on protein structure and function output the following: SIFT: "Tolerated"; PolyPhen-2: "Benign"; Align-GVGD: "Class C0". The lysine amino acid residue is found in multiple mammalian species, which suggests that this missense change does not adversely affect protein function. In summary, the available evidence is currently insufficient to determine the role of this variant in disease. Therefore, it has been classified as a Variant of Uncertain Significance.